The following is an entry in ClinVar:

ClinVar aggregate classification (germline): Conflicting classifications of pathogenicity. Review status: criteria provided, conflicting classifications (1 of 4 stars). 3 submissions from 3 submitters: Uncertain significance (2); Likely benign (1). Last evaluated 2024-12-06.

Conditions:
Hereditary cancer-predisposing syndrome. Also called: Hereditary Cancer Syndrome; Tumor predisposition; Neoplastic Syndromes, Hereditary; Hereditary neoplastic syndrome. Identifiers: Orphanet 140162, MedGen C0027672, MeSH D009386, MONDO:0015356.
Hereditary breast ovarian cancer syndrome. Also called: Hereditary breast and ovarian cancer; Hereditary breast and ovarian cancer syndrome; Breast and ovarian cancer; BRCA1- and BRCA2-Associated Hereditary Breast and Ovarian Cancer; Hereditary breast and/or ovarian cancer syndrome; Hereditary breast and ovarian cancer syndrome (HBOC). Identifiers: Orphanet 145, MedGen C0677776, MeSH D061325, MONDO:0003582. Disease mechanism: loss of function.

Submissions (3):

Ambry Genetics
Classification: Uncertain significance for Hereditary cancer-predisposing syndrome. Last evaluated: 2024-12-06. Review status: criteria provided, single submitter. Criteria: Ambry Variant Classification Scheme 2023. Collection method: clinical testing. Allele origin: germline.
Comment: The p.T1815A variant (also known as c.5443A>G), located in coding exon 10 of the BRCA2 gene, results from an A to G substitution at nucleotide position 5443. The threonine at codon 1815 is replaced by alanine, an amino acid with similar properties. This amino acid position is not well conserved in available vertebrate species. In addition, this alteration is predicted to be tolerated by in silico analysis. Based on the available evidence, the clinical significance of this variant remains unclear.

University of Washington Department of Laboratory Medicine, University of Washington
Classification: Likely benign for Hereditary cancer-predisposing syndrome. Last evaluated: 2023-03-23. Review status: criteria provided, single submitter. Criteria: Dines et al. (Genet Med. 2020). Collection method: curation. Allele origin: germline.
Comment: Missense variant in a coldspot region where missense variants are very unlikely to be pathogenic (PMID:31911673).

BRCA2 exon 11 coldspot. Reclassification based on statistical prior probability.

Labcorp Genetics (formerly Invitae), Labcorp
Classification: Uncertain significance for Hereditary breast ovarian cancer syndrome. Last evaluated: 2022-02-20. Review status: criteria provided, single submitter. Criteria: Invitae Variant Classification Sherloc (09022015). Collection method: clinical testing. Allele origin: germline.
Comment: In summary, the available evidence is currently insufficient to determine the role of this variant in disease. Therefore, it has been classified as a Variant of Uncertain Significance. Advanced modeling of protein sequence and biophysical properties (such as structural, functional, and spatial information, amino acid conservation, physicochemical variation, residue mobility, and thermodynamic stability) performed at Invitae indicates that this missense variant is not expected to disrupt BRCA2 protein function. This variant has not been reported in the literature in individuals affected with BRCA2-related conditions. This variant is not present in population databases (gnomAD no frequency). This sequence change replaces threonine, which is neutral and polar, with alanine, which is neutral and non-polar, at codon 1815 of the BRCA2 protein (p.Thr1815Ala).

NM_000059.4(BRCA2):c.5443A>G (p.Thr1815Ala)

Gene: BRCA2 (BRCA2 DNA repair associated; plus strand). Cytogenetic location: 13q13.1.
Variant type: single nucleotide variant.
Coding change: c.5443A>G on transcript NM_000059.4 (MANE Select); coding-DNA position 5443, A replaced by G.
Protein change: p.Thr1815Ala; replaces threonine 1815 with alanine.
Molecular consequence: missense variant.
Genome position (GRCh38, 1-based): chr13:32,339,798, A>G. VCF-style: chr13-32339798-A-G. GRCh37 (hg19) VCF-style: chr13-32913935-A-G.
Other names: c.5443A>G, p.Thr1815Ala (NM_001406719.1, NM_001406720.1); short protein forms T1815A.
Identifiers: ClinVar variation 2100445 (VCV002100445.7), dbSNP rs2072529538, ClinGen allele CA387785550.